The following is an entry in ClinVar:

NM_001182.5(ALDH7A1):c.1489+6T>C

Gene: ALDH7A1 (aldehyde dehydrogenase 7 family member A1; minus strand). Cytogenetic location: 5q23.2.
Variant type: single nucleotide variant.
Coding change: c.1489+6T>C on transcript NM_001182.5 (MANE Select); 6 bases into the intron after coding-DNA position 1489, T replaced by C.
Molecular consequence: intron variant.
Genome position (GRCh38, 1-based): chr5:126,549,923, A>G on the plus strand (T>C on the coding strand, the complement: ALDH7A1 is on the minus strand). VCF-style: chr5-126549923-A-G. GRCh37 (hg19) VCF-style: chr5-125885615-A-G.
Other names: c.1297+6T>C (NM_001202404.2); c.1405+6T>C (NM_001201377.2).
Identifiers: ClinVar variation 956661 (VCV000956661.7), dbSNP rs763393955, ClinGen allele CA3389397.

ClinVar aggregate classification (germline): Uncertain significance (1 of 4 stars; one submission).

Conditions:
Pyridoxine-dependent epilepsy (EPEO4). Also called: PYRIDOXINE DEPENDENCY WITH SEIZURES; Pyridoxine-Dependent Epilepsy - ALDH7A1; EPILEPSY, EARLY-ONSET, 4, VITAMIN B6-DEPENDENT; Pyridoxine-Dependent Seizures. Identifiers: Orphanet 3006, MedGen C1849508, MONDO:0009945, OMIM 266100. Disease mechanism: loss of function.

Allele frequency attached by ClinVar (database versions not stated): ExAC 0.00001; TOPMed 0.00001; gnomAD exomes below 0.00001.

Submission:

Labcorp Genetics (formerly Invitae), Labcorp
Classification: Uncertain significance for Pyridoxine-dependent epilepsy. Last evaluated: 2021-08-31. Review status: criteria provided, single submitter. Criteria: Invitae Variant Classification Sherloc (09022015). Collection method: clinical testing. Allele origin: germline.
Comment: This sequence change falls in intron 16 of the ALDH7A1 gene. It does not directly change the encoded amino acid sequence of the ALDH7A1 protein. It affects a nucleotide within the consensus splice site of the intron. This variant is present in population databases (rs763393955, ExAC 0.01%). This variant has not been reported in the literature in individuals affected with ALDH7A1-related conditions. Variants that disrupt the consensus splice site are a relatively common cause of aberrant splicing (PMID: 17576681, 9536098). Algorithms developed to predict the effect of sequence changes on RNA splicing suggest that this variant may disrupt the consensus splice site. In summary, the available evidence is currently insufficient to determine the role of this variant in disease. Therefore, it has been classified as a Variant of Uncertain Significance.

Literature cited by the submitters: PubMed 17576681; PubMed 9536098.